The following is an entry in ClinVar:

NM_014423.4(AFF4):c.2615C>G (p.Ser872Cys)

Gene: AFF4 (ALF transcription elongation factor 4; minus strand). Cytogenetic location: 5q31.1.
Variant type: single nucleotide variant.
Coding change: c.2615C>G on transcript NM_014423.4 (MANE Select); coding-DNA position 2615, C replaced by G.
Protein change: p.Ser872Cys; replaces serine 872 with cysteine.
Molecular consequence: missense variant.
Genome position (GRCh38, 1-based): chr5:132,892,186, G>C on the plus strand (C>G on the coding strand, the complement: AFF4 is on the minus strand). VCF-style: chr5-132892186-G-C. GRCh37 (hg19) VCF-style: chr5-132227878-G-C.
Other names: c.2615C>G (NM_014423.3); short protein forms S872C.
Identifiers: ClinVar variation 2967661 (VCV002967661.4), dbSNP rs1561482331, ClinGen allele CA360928384.

ClinVar aggregate classification (germline): Uncertain significance. Review status: criteria provided, multiple submitters, no conflicts (2 of 4 stars). 2 submissions from 2 submitters: Uncertain significance (2). Last evaluated 2026-04-04.

Conditions:
AFF4-related disorder. Also called: AFF4-related condition.
Cognitive impairment - coarse facies - heart defects - obesity - pulmonary involvement - short stature - skeletal dysplasia syndrome. Also called: COGNITIVE IMPAIRMENT, COARSE FACIES, HEART DEFECTS, OBESITY, PULMONARY INVOLVEMENT, SHORT STATURE, AND SKELETAL DYSPLASIA; Chops syndrome; AFF4-Related CHOPS Syndrome. Identifiers: Orphanet 444077, MedGen C4085597, MONDO:0014609, OMIM 616368.

Allele frequency attached by ClinVar (database versions not stated): gnomAD exomes below 0.00001; TOPMed below 0.00001; gnomAD 0.00001.
gnomAD v4.1: 8 of 1,613,970 alleles (0.0005%); highest among the groups gnomAD compares: Admixed American, 0.0017%; no homozygotes.

Submissions (2):

PreventionGenetics, part of Exact Sciences
Classification: Uncertain significance for AFF4-related condition. Last evaluated: 2026-04-04. Review status: criteria provided, single submitter. Criteria: ACMG Guidelines, 2015. Collection method: clinical testing. Allele origin: germline.
Comment: The AFF4 c.2615C>G variant is predicted to result in the amino acid substitution p.Ser872Cys. To our knowledge, this variant has not been reported in the literature. This variant is reported in 0.00088% of alleles in individuals of European (Non-Finnish) descent in gnomAD. At this time, the clinical significance of this variant is uncertain due to the absence of conclusive functional and genetic evidence.

Labcorp Genetics (formerly Invitae), Labcorp
Classification: Uncertain significance for Cognitive impairment - coarse facies - heart defects - obesity - pulmonary involvement - short stature - skeletal dysplasia syndrome. Last evaluated: 2023-10-29. Review status: criteria provided, single submitter. Criteria: Invitae Variant Classification Sherloc (09022015). Collection method: clinical testing. Allele origin: germline.
Comment: This sequence change replaces serine, which is neutral and polar, with cysteine, which is neutral and slightly polar, at codon 872 of the AFF4 protein (p.Ser872Cys). This variant is not present in population databases (gnomAD no frequency). This variant has not been reported in the literature in individuals affected with AFF4-related conditions. Advanced modeling of protein sequence and biophysical properties (such as structural, functional, and spatial information, amino acid conservation, physicochemical variation, residue mobility, and thermodynamic stability) has been performed at Invitae for this missense variant, however the output from this modeling did not meet the statistical confidence thresholds required to predict the impact of this variant on AFF4 protein function. In summary, the available evidence is currently insufficient to determine the role of this variant in disease. Therefore, it has been classified as a Variant of Uncertain Significance.